The following is an entry in ClinVar:

NM_004415.4(DSP):c.2346C>T (p.Asp782=)

Gene: DSP (desmoplakin; plus strand). Cytogenetic location: 6p24.3.
Variant type: single nucleotide variant.
Coding change: c.2346C>T on transcript NM_004415.4 (MANE Select); coding-DNA position 2346, C replaced by T.
Protein change: p.Asp782=; no amino-acid change (aspartic acid 782 retained).
Molecular consequence: synonymous variant.
Genome position (GRCh38, 1-based): chr6:7,574,705, C>T. VCF-style: chr6-7574705-C-T. GRCh37 (hg19) VCF-style: chr6-7574938-C-T.
Other names: p.Asp782=; c.2346C>T, p.Asp782= (NM_001008844.3, NM_001319034.2); c.2346C>T (NM_004415.3).
Identifiers: ClinVar variation 44873 (VCV000044873.82), dbSNP rs139071827, ClinGen allele CA005333.

ClinVar aggregate classification (germline): Conflicting classifications of pathogenicity. Review status: criteria provided, conflicting classifications (1 of 4 stars). 18 submissions from 16 submitters: Uncertain significance (3); Benign (1); Likely benign (9). 5 of the submissions do not count toward it. Last evaluated 2026-07-01.

Conditions:
Cardiovascular phenotype. Identifiers: MedGen CN230736.
Arrhythmogenic cardiomyopathy with wooly hair and keratoderma. Also called: Carvajal syndrome; Dilated cardiomyopathy with woolly hair and keratoderma; Arrhythmogenic cardiomyopathy with woolly hair and keratoderma; PALMOPLANTAR KERATODERMA WITH LEFT VENTRICULAR CARDIOMYOPATHY AND WOOLLY HAIR. Identifiers: Orphanet 65282, MedGen C1854063, MONDO:0011581, OMIM 605676.
Arrhythmogenic right ventricular dysplasia 8 (ARVD8). Also called: Arrhythmogenic Right Ventricular Dysplasia/Cardiomyopathy 8; ARRHYTHMOGENIC RIGHT VENTRICULAR DYSPLASIA, FAMILIAL, 8; ARRHYTHMOGENIC RIGHT VENTRICULAR CARDIOMYOPATHY 8. Identifiers: MedGen C1843896, MONDO:0011831, OMIM 607450.
Cardiomyopathy (CMYO). Also called: Cardiomyopathies. Identifiers: Orphanet 167848, MedGen C0878544, MONDO:0004994, HP:0001638. Inheritance: Various modes of inheritance.
Lethal acantholytic epidermolysis bullosa (EBLA). Identifiers: Orphanet 158687, MedGen C1864826, MONDO:0012323, OMIM 609638.
Woolly hair-skin fragility syndrome (WHSF). Identifiers: Orphanet 293165, MedGen C1843292, MONDO:0957307, OMIM 620415.

Allele frequency attached by ClinVar (database versions not stated): 1000 Genomes Project 30x 0.00031; TOPMed 0.00108; ExAC 0.00146; gnomAD exomes 0.00132 and 0.00156; gnomAD 0.00126 and 0.00124; 1000 Genomes Project 0.00040; ESP Exome Variant Server 0.00146.
gnomAD v4.1: 2,463 of 1,614,118 alleles (0.15%); highest among the groups gnomAD compares: Non-Finnish European, 0.18%; 2 homozygotes.

Submissions (18):

CeGaT Center for Human Genetics Tuebingen
Classification: Likely benign. Last evaluated: 2026-07-01. Review status: criteria provided, single submitter. Criteria: CeGaT Center For Human Genetics Tuebingen Variant Classification Criteria Version 2. Collection method: clinical testing. Allele origin: germline. Affected: yes. Observed: 18 variant alleles.
Comment: DSP: BP4, BP7

Labcorp Genetics (formerly Invitae), Labcorp
Classification: Benign for Arrhythmogenic cardiomyopathy with wooly hair and keratoderma; Arrhythmogenic right ventricular dysplasia 8. Last evaluated: 2026-01-23. Review status: criteria provided, single submitter. Criteria: Invitae Variant Classification Sherloc (09022015). Collection method: clinical testing. Allele origin: germline.

Mayo Clinic Laboratories, Mayo Clinic
Classification: Likely benign. Last evaluated: 2025-04-15. Review status: criteria provided, single submitter. Criteria: ACMG Guidelines, 2015. Collection method: clinical testing. Allele origin: germline. Observed: 1 variant allele.
Comment: BS1, BP4, BP7

Molecular Diagnostic Laboratory for Inherited Cardiovascular Disease, Montreal Heart Institute
Classification: Likely benign. Last evaluated: 2025-02-17. Review status: criteria provided, single submitter. Criteria: ACMG Guidelines, 2015. Collection method: clinical testing. Allele origin: germline. Affected: no.

Blueprint Genetics
Classification: Likely benign. Last evaluated: 2024-11-14. Review status: criteria provided, single submitter. Criteria: ACMG Guidelines, 2015. Collection method: clinical testing. Allele origin: germline.

ARUP Laboratories, Molecular Genetics and Genomics, ARUP Laboratories
Classification: Likely benign. Last evaluated: 2024-04-17. Review status: criteria provided, single submitter. Criteria: ARUP Molecular Germline Variant Investigation Process 2024. Collection method: clinical testing. Allele origin: germline.

All of Us Research Program, National Institutes of Health
Classification: Likely benign for Arrhythmogenic cardiomyopathy with wooly hair and keratoderma. Last evaluated: 2024-02-05. Review status: criteria provided, single submitter. Criteria: ACMG Guidelines, 2015. Collection method: clinical testing. Allele origin: germline. Inheritance: Autosomal dominant inheritance. Observed: 382 variant alleles, 381 heterozygotes, 1 homozygote.
Comment: This study involves interpretation of variants in research participants for the purpose of population health screening. Participant phenotype was not available at the time of variant classification. Additional details can be found in publication PMID: 35346344, PMCID: PMC8962531

Color Diagnostics, LLC DBA Color Health
Classification: Likely benign for Cardiomyopathy. Last evaluated: 2018-03-14. Review status: criteria provided, single submitter. Criteria: ACMG Guidelines, 2015. Collection method: clinical testing. Allele origin: germline.

Illumina Laboratory Services, Illumina
Classification: Uncertain significance for Arrhythmogenic right ventricular dysplasia 8. Last evaluated: 2018-01-12. Review status: criteria provided, single submitter. Criteria: ICSL Variant Classification Criteria 13 December 2019. Collection method: clinical testing. Allele origin: germline.

Illumina Laboratory Services, Illumina
Classification: Uncertain significance for Arrhythmogenic cardiomyopathy with wooly hair and keratoderma. Last evaluated: 2018-01-12. Review status: criteria provided, single submitter. Criteria: ICSL Variant Classification Criteria 13 December 2019. Collection method: clinical testing. Allele origin: germline.

Illumina Laboratory Services, Illumina
Classification: Uncertain significance for Lethal acantholytic epidermolysis bullosa. Last evaluated: 2018-01-12. Review status: criteria provided, single submitter. Criteria: ICSL Variant Classification Criteria 13 December 2019. Collection method: clinical testing. Allele origin: germline.

Laboratory for Molecular Medicine, Mass General Brigham Personalized Medicine
Classification: Likely benign. Last evaluated: 2017-01-20. Review status: criteria provided, single submitter. Criteria: LMM Criteria. Collection method: clinical testing. Allele origin: germline. Observed: 6 variant alleles.
Comment: Asp782Asp in exon 17 of DSP: This variant is not expected to have clinical signi ficance because it does not alter an amino acid residue and is not located withi n the splice consensus sequence. It has been identified in 0.2% (132/66740) of European (Non-Finnish) chromosomes by the Exome Aggregation Consortium (ExAC; dbSNP rs139071827).

Ambry Genetics
Classification: Likely benign for Cardiovascular phenotype. Last evaluated: 2016-08-24. Review status: criteria provided, single submitter. Criteria: Ambry Variant Classification Scheme 2023. Collection method: clinical testing. Allele origin: germline.

Clinical Genetics DNA and cytogenetics Diagnostics Lab, Erasmus MC, Erasmus Medical Center
Classification: Likely benign. Review status: no assertion criteria provided. Collection method: clinical testing. Allele origin: germline. Affected: yes. Study: VKGL Data-share Consensus. Not counted in ClinVar's aggregate classification.

Clinical Genetics, Academic Medical Center
Classification: Benign. Review status: no assertion criteria provided. Collection method: clinical testing. Allele origin: germline. Affected: yes. Study: VKGL Data-share Consensus. Not counted in ClinVar's aggregate classification.

Diagnostic Laboratory, Department of Genetics, University Medical Center Groningen
Classification: Likely benign. Review status: no assertion criteria provided. Collection method: clinical testing. Allele origin: germline. Affected: yes. Study: VKGL Data-share Consensus. Not counted in ClinVar's aggregate classification.

Genome Diagnostics Laboratory, University Medical Center Utrecht
Classification: Likely benign. Review status: no assertion criteria provided. Collection method: clinical testing. Allele origin: germline. Affected: yes. Study: VKGL Data-share Consensus. Not counted in ClinVar's aggregate classification.

Joint Genome Diagnostic Labs from Nijmegen and Maastricht, Radboudumc and MUMC+
Classification: Benign. Review status: no assertion criteria provided. Collection method: clinical testing. Allele origin: germline. Affected: yes. Study: VKGL Data-share Consensus. Not counted in ClinVar's aggregate classification.